The following is an entry in ClinVar:

ClinVar aggregate classification (germline): Likely benign. Review status: criteria provided, multiple submitters, no conflicts (2 of 4 stars). 3 submissions from 3 submitters: Likely benign (3). Last evaluated 2025-08-18.

Conditions:
Inborn genetic diseases. Identifiers: MedGen C0950123, MeSH D030342.
DDX41-related disorder. Also called: DDX41-related condition.

Allele frequency attached by ClinVar (database versions not stated): ExAC 0.00001; gnomAD exomes 0.00002; gnomAD 0.00003; TOPMed 0.00003.

Submissions (3):

PreventionGenetics, part of Exact Sciences
Classification: Likely benign for DDX41-related condition. Last evaluated: 2025-08-18. Review status: criteria provided, single submitter. Criteria: ACMG Guidelines, 2015. Collection method: clinical testing. Allele origin: germline.
Comment: This variant is classified as likely benign based on ACMG/AMP sequence variant interpretation guidelines (Richards et al. 2015 PMID: 25741868, with internal and published modifications).

Ambry Genetics
Classification: Likely benign for Inborn genetic diseases. Last evaluated: 2024-11-30. Review status: criteria provided, single submitter. Criteria: Ambry Variant Classification Scheme 2023. Collection method: clinical testing. Allele origin: germline.

Labcorp Genetics (formerly Invitae), Labcorp
Classification: Likely benign. Last evaluated: 2023-10-22. Review status: criteria provided, single submitter. Criteria: Invitae Variant Classification Sherloc (09022015). Collection method: clinical testing. Allele origin: germline.

NM_016222.4(DDX41):c.1569C>T (p.Thr523=)

Gene: DDX41 (DEAD-box helicase 41; minus strand). Cytogenetic location: 5q35.3.
Variant type: single nucleotide variant.
Coding change: c.1569C>T on transcript NM_016222.4 (MANE Select); coding-DNA position 1569, C replaced by T.
Protein change: p.Thr523=; no amino-acid change (threonine 523 retained).
Molecular consequence: synonymous variant.
Genome position (GRCh38, 1-based): chr5:177,512,374, G>A on the plus strand (C>T on the coding strand, the complement: DDX41 is on the minus strand). VCF-style: chr5-177512374-G-A. GRCh37 (hg19) VCF-style: chr5-176939375-G-A.
Other names: c.1569C>T (NM_016222.2, NM_016222.3); c.1191C>T, p.Thr397= (NM_001321732.2, NM_001321830.2).
Identifiers: ClinVar variation 2197018 (VCV002197018.6), dbSNP rs371427065, ClinGen allele CA3584698.
Genomic context (GRCh38, chr5:177,512,374, plus strand): 5'-AGACTCACCACACGCTTTGTTGATGAAGGTAGTGGCGATGCCTGTGTTTCCCGAGCGCCC[G>A]GTGCGGCCAATCCGGTGTACTGCAGAGAGAAGGACAGAGTCTCTGGCCCATCGCTGGACA-3'
Protein context (NP_057306.2, residues 513-533): IENYVHRIGR[Thr523=]GRSGNTGIAT